The following is an entry in ClinVar:

NM_003072.5(SMARCA4):c.3749T>C (p.Ile1250Thr)

Gene: SMARCA4 (SWI/SNF related BAF chromatin remodeling complex subunit ATPase 4; plus strand). Cytogenetic location: 19p13.2.
Variant type: single nucleotide variant.
Coding change: c.3749T>C on transcript NM_003072.5 (MANE Select); coding-DNA position 3749, T replaced by C.
Protein change: p.Ile1250Thr; replaces isoleucine 1250 with threonine.
Molecular consequence: missense variant. On other transcripts: non-coding transcript variant (1).
Genome position (GRCh38, 1-based): chr19:11,033,492, T>C. VCF-style: chr19-11033492-T-C. GRCh37 (hg19) VCF-style: chr19-11144168-T-C.
Other names: c.3749T>C, p.Ile1250Thr (NM_001128844.3, NM_001128845.2, NM_001128846.2 and 6 more transcripts); short protein forms I1250T.
Identifiers: ClinVar variation 4891446 (VCV004891446.1).
Genomic context (GRCh38, chr19:11,033,492, plus strand): 5'-AGGCCGGCATGTTCGACCAGAAGTCCTCCAGCCATGAGCGGCGCGCCTTCCTGCAGGCCA[T>C]CCTGGAGCACGAGGAGCAGGATGAGGTGAGCCCAGCACCGGCCCCGACCCCTCCCCAGCG-3'
Protein context (NP_003063.2, residues 1240-1260): SHERRAFLQA[Ile1250Thr]LEHEEQDESR

ClinVar aggregate classification (germline): Pathogenic (1 of 4 stars; one submission).

Submission:

GeneDx
Classification: Pathogenic. Last evaluated: 2026-01-22. Review status: criteria provided, single submitter. Criteria: GeneDx Variant Classification Process June 2021. Collection method: clinical testing. Allele origin: germline.
Comment: Not observed at significant frequency in large population cohorts (gnomAD); In silico analysis supports that this missense variant has a deleterious effect on protein structure/function; Has not been previously published as pathogenic or benign to our knowledge